The following is an entry in ClinVar:

ClinVar aggregate classification (germline): Benign (0 of 4 stars; one submission).

Conditions:
APAF1-related disorder. Also called: APAF1-related condition.

Allele frequency attached by ClinVar (database versions not stated): ESP Exome Variant Server 0.00015; gnomAD exomes 0.00024; ExAC 0.00103.
gnomAD v4.1: 405 of 1,613,674 alleles (0.025%); highest among the groups gnomAD compares: Admixed American, 0.61%; 2 homozygotes.

Submission:

PreventionGenetics, part of Exact Sciences
Classification: Benign for APAF1-related condition. Last evaluated: 2019-09-24. Review status: no assertion criteria provided. Collection method: clinical testing. Allele origin: germline.
Comment: This variant is classified as benign based on ACMG/AMP sequence variant interpretation guidelines (Richards et al. 2015 PMID: 25741868, with internal and published modifications).

NM_181861.2(APAF1):c.3112A>G (p.Ile1038Val)

Gene: APAF1 (apoptotic peptidase activating factor 1; plus strand). Cytogenetic location: 12q23.1.
Variant type: single nucleotide variant.
Coding change: c.3112A>G on transcript NM_181861.2 (MANE Select); coding-DNA position 3112, A replaced by G.
Protein change: p.Ile1038Val; replaces isoleucine 1038 with valine.
Molecular consequence: missense variant. On other transcripts: intron variant (1).
Genome position (GRCh38, 1-based): chr12:98,723,220, A>G. VCF-style: chr12-98723220-A-G. GRCh37 (hg19) VCF-style: chr12-99116998-A-G.
Other names: c.2950A>G, p.Ile984Val (NM_001160.3); c.3079A>G, p.Ile1027Val (NM_013229.3); c.2983A>G, p.Ile995Val (NM_181868.2); c.956-9200A>G (NM_181869.2); short protein forms I1027V, I1038V, I984V, I995V.
Identifiers: ClinVar variation 3060045 (VCV003060045.2), dbSNP rs146238655, ClinGen allele CA6734444.